The following is an entry in ClinVar:

NM_002067.5(GNA11):c.889+5G>A

Gene: GNA11 (G protein subunit alpha 11; plus strand). Cytogenetic location: 19p13.3.
Variant type: single nucleotide variant.
Coding change: c.889+5G>A on transcript NM_002067.5 (MANE Select); 5 bases into the intron after coding-DNA position 889, G replaced by A.
Molecular consequence: intron variant.
Genome position (GRCh38, 1-based): chr19:3,119,364, G>A. VCF-style: chr19-3119364-G-A. GRCh37 (hg19) VCF-style: chr19-3119362-G-A.
Identifiers: ClinVar variation 1441235 (VCV001441235.9), dbSNP rs768590899, ClinGen allele CA9075038.
Genomic context (GRCh38, chr19:3,119,364, plus strand): 5'-GCTGGAGGACAAGATCCTGTACTCGCACCTGGTGGACTACTTCCCCGAGTTCGATGGTGC[G>A]CCGGGCTGCGGCATGGGGAGGGGCTCGCGGGCAGGGCCTTACTGGGGGGAGGGGGCTGAT-3'

ClinVar aggregate classification (germline): Uncertain significance. Review status: criteria provided, multiple submitters, no conflicts (2 of 4 stars). 3 submissions from 3 submitters: Uncertain significance (3). Last evaluated 2025-09-01.

Conditions:
Familial hypocalciuric hypercalcemia 2. Also called: Hypocalciuric hypercalcemia, type II; FAMILIAL BENIGN HYPERCALCEMIA, TYPE II; Hypocalciuric hypercalcemia, familial, type II. Identifiers: Orphanet 101049, Orphanet 405, MedGen C1840347, MONDO:0007792, OMIM 145981.
Autosomal dominant hypocalcemia 2. Identifiers: Orphanet 2238, Orphanet 428, MedGen C3809243, MONDO:0014146, OMIM 615361.

Allele frequency attached by ClinVar (database versions not stated): gnomAD 0.00003.
gnomAD v4.1: 26 of 1,608,248 alleles (0.0016%); highest among the groups gnomAD compares: African/African-American, 0.0041%; no homozygotes.

Submissions (3):

Clinical Genomics Laboratory, Washington University in St. Louis
Classification: Uncertain significance for Autosomal dominant hypocalcemia 2; Familial hypocalciuric hypercalcemia 2. Last evaluated: 2025-09-01. Review status: criteria provided, single submitter. Criteria: ACMG Guidelines, 2015. Collection method: clinical testing. Allele origin: germline.
Comment: A GNA11 c.889+5G>A variant was identified at a near heterozygous allelic fraction of 48.1%, a frequency which may be consistent with germline origin. This variant, to our knowledge, has not been reported in the medical literature. It occurs on 26/1,608,248 alleles in the general population (gnomAD v.4.1.0) and has been reported as a germline variant of uncertain significance in the ClinVar database by two submitters (ClinVar Variation ID: 1441235). Computational predictors indicate that this variant would alter splicing, evidence that correlates to an impact of this variant GNA11 function. Due to limited information, and based on ACMG/AMP guidelines for variant interpretation (Richards S et al., PMID: 25741868), the clinical significance of this variant is uncertain at this time.

Fulgent Genetics
Classification: Uncertain significance for Familial hypocalciuric hypercalcemia 2; Autosomal dominant hypocalcemia 2. Last evaluated: 2024-01-22. Review status: criteria provided, single submitter. Criteria: ACMG Guidelines, 2015. Collection method: clinical testing. Allele origin: germline.

Labcorp Genetics (formerly Invitae), Labcorp
Classification: Uncertain significance. Last evaluated: 2023-08-27. Review status: criteria provided, single submitter. Criteria: Invitae Variant Classification Sherloc (09022015). Collection method: clinical testing. Allele origin: germline.
Comment: This sequence change falls in intron 6 of the GNA11 gene. It does not directly change the encoded amino acid sequence of the GNA11 protein. It affects a nucleotide within the consensus splice site. This variant is present in population databases (rs768590899, gnomAD 0.007%). This variant has not been reported in the literature in individuals affected with GNA11-related conditions. ClinVar contains an entry for this variant (Variation ID: 1441235). Variants that disrupt the consensus splice site are a relatively common cause of aberrant splicing (PMID: 17576681, 9536098). Algorithms developed to predict the effect of sequence changes on RNA splicing suggest that this variant may create or strengthen a splice site. In summary, the available evidence is currently insufficient to determine the role of this variant in disease. Therefore, it has been classified as a Variant of Uncertain Significance.

Literature cited by the submitters: PubMed 17576681 (cited by Labcorp Genetics (formerly Invitae), Labcorp); PubMed 9536098 (cited by Labcorp Genetics (formerly Invitae), Labcorp).